The following is an entry in ClinVar:

NM_001023570.4(IQCB1):c.487+6A>G

Gene: IQCB1 (IQ motif containing B1; minus strand). Cytogenetic location: 3q13.33.
Variant type: single nucleotide variant.
Coding change: c.487+6A>G on transcript NM_001023570.4 (MANE Select); 6 bases into the intron after coding-DNA position 487, A replaced by G.
Molecular consequence: intron variant.
Genome position (GRCh38, 1-based): chr3:121,808,910, T>C on the plus strand (A>G on the coding strand, the complement: IQCB1 is on the minus strand). VCF-style: chr3-121808910-T-C. GRCh37 (hg19) VCF-style: chr3-121527757-T-C.
Other names: c.487+6A>G (NM_001319107.2, NM_001023571.4).
Identifiers: ClinVar variation 2188408 (VCV002188408.4), dbSNP rs1323772086, ClinGen allele CA898041464.

ClinVar aggregate classification (germline): Uncertain significance (1 of 4 stars; one submission).

Conditions:
Nephronophthisis. Also called: Juvenile Nephronophthisis. Identifiers: Orphanet 655, MedGen C0687120, MONDO:0019005, HP:0000090.

Allele frequency attached by ClinVar (database versions not stated): gnomAD exomes below 0.00001; gnomAD 0.00001; TOPMed 0.00001.

Submission:

Labcorp Genetics (formerly Invitae), Labcorp
Classification: Uncertain significance for Nephronophthisis. Last evaluated: 2022-07-12. Review status: criteria provided, single submitter. Criteria: Invitae Variant Classification Sherloc (09022015). Collection method: clinical testing. Allele origin: germline.
Comment: This variant has not been reported in the literature in individuals affected with IQCB1-related conditions. This variant is not present in population databases (gnomAD no frequency). This sequence change falls in intron 6 of the IQCB1 gene. It does not directly change the encoded amino acid sequence of the IQCB1 protein. It affects a nucleotide within the consensus splice site. Variants that disrupt the consensus splice site are a relatively common cause of aberrant splicing (PMID: 17576681, 9536098). Algorithms developed to predict the effect of sequence changes on RNA splicing suggest that this variant may disrupt the consensus splice site. In summary, the available evidence is currently insufficient to determine the role of this variant in disease. Therefore, it has been classified as a Variant of Uncertain Significance.

Literature cited by the submitters: PubMed 17576681; PubMed 9536098.